The following is an entry in ClinVar:

ClinVar aggregate classification (germline): Benign (1 of 4 stars; one submission).

Conditions:
X-linked lymphoproliferative disease due to XIAP deficiency. Also called: XIAP DEFICIENCY; XIAP-Related Lymphoproliferative Disease, X-Linked. Identifiers: Orphanet 2442, Orphanet 538934, MedGen C1845076, MONDO:0010385, OMIM 300635.

Allele frequency attached by ClinVar (database versions not stated): gnomAD 0.00001 and 0.00021; TOPMed 0.00010; gnomAD exomes 0.00112 and 0.00170; 1000 Genomes Project 30x 0.00146; 1000 Genomes Project 0.00185; ExAC 0.00433.
gnomAD v4.1: 369 of 323,579 alleles (0.11%); highest among the groups gnomAD compares: South Asian, 0.97%; 3 homozygotes.

Submission:

Illumina Laboratory Services, Illumina
Classification: Benign for X-linked lymphoproliferative disease due to XIAP deficiency. Last evaluated: 2018-03-06. Review status: criteria provided, single submitter. Criteria: ICSL Variant Classification Criteria 13 December 2019. Collection method: clinical testing. Allele origin: germline.
Comment: This variant was observed in the ICSL laboratory as part of a predisposition screen in an ostensibly healthy population. It had not been previously curated by ICSL or reported in the Human Gene Mutation Database (HGMD: prior to June 1st, 2018), and was therefore a candidate for classification through an automated scoring system. Utilizing variant allele frequency, disease prevalence and penetrance estimates, and inheritance mode, an automated score was calculated to assess if this variant is too frequent to cause the disease. Based on the score and internal cut-off values, a variant classified as benign is not then subjected to further curation. The score for this variant resulted in a classification of benign for this disease.

NM_001167.4(XIAP):c.*2944C>A

Gene: XIAP (X-linked inhibitor of apoptosis; plus strand). Cytogenetic location: Xq25.
Variant type: single nucleotide variant.
Coding change: c.*2944C>A on transcript NM_001167.4 (MANE Select); 2944 bases downstream of the stop codon, C replaced by A.
Molecular consequence: 3 prime UTR variant. On other transcripts: non-coding transcript variant (2).
Genome position (GRCh38, 1-based): chrX:123,910,125, C>A. VCF-style: chrX-123910125-C-A. GRCh37 (hg19) VCF-style: chrX-123043975-C-A.
Other names: c.*2944C>A (NM_001204401.2, NM_001378590.1, NM_001378591.1 and 1 more transcripts).
Identifiers: ClinVar variation 976583 (VCV000976583.4), dbSNP rs776649984, ClinGen allele CA10508293.
Genomic context (GRCh38, chrX:123,910,125, plus strand): 5'-TGCAAAGATTCAAGTAGTTTTGCAATAAGTACTTATCTTTATTTGTAATAATTTAGTCTG[C>A]TGATCAAAAGCATTGTCTTAATTTTTGAGAACTGGTTTTAGCATTTACAAACTAAATTCC-3'